The following is an entry in ClinVar:

ClinVar aggregate classification (germline): Pathogenic (1 of 4 stars; one submission).

Submission:

Labcorp Genetics (formerly Invitae), Labcorp
Classification: Pathogenic. Last evaluated: 2022-08-09. Review status: criteria provided, single submitter. Criteria: Invitae Variant Classification Sherloc (09022015). Collection method: clinical testing. Allele origin: germline.
Comment: For these reasons, this variant has been classified as Pathogenic. This variant has not been reported in the literature in individuals affected with INPPL1-related conditions. This variant is a gross deletion of the genomic region encompassing exon(s) 1 of the INPPL1 gene, which includes the initiator codon. This deletion extends beyond the assayed region for this gene and therefore may encompass additional genes. It is expected to result in an absent or disrupted protein product. Loss-of-function variants in INPPL1 are known to be pathogenic (PMID: 23273567, 23273569).

Literature cited by the submitters: PubMed 23273567; PubMed 23273569.

NC_000011.9:g.(?_71936029)_(71936230_?)del

Gene: INPPL1 (inositol polyphosphate phosphatase like 1; plus strand). Cytogenetic location: 11q13.4.
Variant type: Deletion.
Identifiers: ClinVar variation 1457958 (VCV001457958.5).